The following is an entry in ClinVar:

ClinVar aggregate classification (germline): Uncertain significance (1 of 4 stars; one submission).

Allele frequency attached by ClinVar (database versions not stated): TOPMed below 0.00001; 1000 Genomes Project 0.00020.

Submission:

CeGaT Center for Human Genetics Tuebingen
Classification: Uncertain significance. Last evaluated: 2023-11-01. Review status: criteria provided, single submitter. Criteria: CeGaT Center For Human Genetics Tuebingen Variant Classification Criteria Version 2. Collection method: clinical testing. Allele origin: germline. Affected: yes. Observed: 1 variant allele.
Comment: GRIN2A: PM2, PP2, BP4

NM_001134407.3(GRIN2A):c.1783C>T (p.His595Tyr)

Gene: GRIN2A (glutamate ionotropic receptor NMDA type subunit 2A; minus strand). Cytogenetic location: 16p13.2.
Variant type: single nucleotide variant.
Coding change: c.1783C>T on transcript NM_001134407.3 (MANE Select); coding-DNA position 1783, C replaced by T.
Protein change: p.His595Tyr; replaces histidine 595 with tyrosine.
Molecular consequence: missense variant.
Genome position (GRCh38, 1-based): chr16:9,829,647, G>A on the plus strand (C>T on the coding strand, the complement: GRIN2A is on the minus strand). VCF-style: chr16-9829647-G-A. GRCh37 (hg19) VCF-style: chr16-9923504-G-A.
Other names: c.1783C>T, p.His595Tyr (NM_000833.5, NM_001134408.2); short protein forms H595Y.
Identifiers: ClinVar variation 2672617 (VCV002672617.23), dbSNP rs565111836, ClinGen allele CA278180083.